The following is an entry in ClinVar:

ClinVar aggregate classification (germline): Uncertain significance (1 of 4 stars; one submission).

Allele frequency attached by ClinVar (database versions not stated): gnomAD exomes below 0.00001; TOPMed below 0.00001.

Submission:

Labcorp Genetics (formerly Invitae), Labcorp
Classification: Uncertain significance. Last evaluated: 2022-06-09. Review status: criteria provided, single submitter. Criteria: Invitae Variant Classification Sherloc (09022015). Collection method: clinical testing. Allele origin: germline.
Comment: This sequence change creates a premature translational stop signal (p.Tyr215Ilefs*2) in the SPPL2A gene. It is expected to result in an absent or disrupted protein product. However, the current clinical and genetic evidence is not sufficient to establish whether loss-of-function variants in SPPL2A cause disease. This variant is not present in population databases (gnomAD no frequency). This variant has not been reported in the literature in individuals affected with SPPL2A-related conditions. In summary, the available evidence is currently insufficient to determine the role of this variant in disease. Therefore, it has been classified as a Variant of Uncertain Significance.

NM_032802.4(SPPL2A):c.643del (p.Tyr215fs)

Gene: SPPL2A (signal peptide peptidase like 2A; minus strand). Cytogenetic location: 15q21.2.
Variant type: Deletion.
Coding change: c.643del on transcript NM_032802.4 (MANE Select); coding-DNA position 643, one base deleted (T; older notation c.643delT).
Protein change: p.Tyr215fs; shifts the reading frame from tyrosine 215.
Molecular consequence: frameshift variant.
Genome position (GRCh38, 1-based): chr15:50,739,770, A deleted on the plus strand (T on the coding strand, the reverse complement: SPPL2A is on the minus strand). VCF-style (leftmost placement, unchanged base first): chr15-50739769-TA-T. GRCh37 (hg19) VCF-style: chr15-51031966-TA-T.
Other names: short protein forms Y215fs.
Identifiers: ClinVar variation 2035272 (VCV002035272.4), dbSNP rs2062803656, ClinGen allele CA2176536794.